The following is an entry in ClinVar:

NM_025225.3(PNPLA3):c.226G>A (p.Ala76Thr)

Gene: PNPLA3 (patatin like domain 3, 1-acylglycerol-3-phosphate O-acyltransferase; plus strand). Cytogenetic location: 22q13.31.
Variant type: single nucleotide variant.
Coding change: c.226G>A on transcript NM_025225.3 (MANE Select); coding-DNA position 226, G replaced by A.
Protein change: p.Ala76Thr; replaces alanine 76 with threonine.
Molecular consequence: missense variant.
Genome position (GRCh38, 1-based): chr22:43,926,973, G>A. VCF-style: chr22-43926973-G-A. GRCh37 (hg19) VCF-style: chr22-44322853-G-A.
Other names: short protein forms A76T.
Identifiers: ClinVar variation 902367 (VCV000902367.4), dbSNP rs746140741, ClinGen allele CA10277853.
Genomic context (GRCh38, chr22:43,926,973, plus strand): 5'-TGTATTTGTCTCCTGTCCCCAGAGCAGACTCTGCAGGTCCTCTCAGATCTTGTGCGGAAG[G>A]CCAGGAGTCGGAACATTGGCATCTTCCATCCATCCTTCAACTTAAGCAAGTTCCTCCGAC-3'
Protein context (NP_079501.2, residues 66-86): LQVLSDLVRK[Ala76Thr]RSRNIGIFHP

ClinVar aggregate classification (germline): Uncertain significance (1 of 4 stars; one submission).

Conditions:
NAFLD1 (FLD1). Also called: FATTY LIVER DISEASE, SUSCEPTIBILITY TO, 1; Fatty liver disease, nonalcoholic 1. Identifiers: MedGen C2750440, MONDO:0021105, OMIM 613282.

Allele frequency attached by ClinVar (database versions not stated): gnomAD 0.00003 and 0.00004; gnomAD exomes 0.00006; TOPMed 0.00006; ExAC 0.00007.

Submission:

Illumina Laboratory Services, Illumina
Classification: Uncertain significance for NAFLD1. Last evaluated: 2018-04-10. Review status: criteria provided, single submitter. Criteria: ICSL Variant Classification Criteria 13 December 2019. Collection method: clinical testing. Allele origin: germline.
Comment: This variant was observed as part of a predisposition screen in an ostensibly healthy population. A literature search was performed for the gene, cDNA change, and amino acid change (where applicable). Publications were found based on this search. However, the evidence from the literature, in combination with allele frequency data from public databases where available, was not sufficient to rule this variant in or out of causing disease. Therefore, this variant is classified as a variant of unknown significance.

Literature cited by the submitters: PubMed 27288299.